The following is an entry in ClinVar:

ClinVar aggregate classification (germline): Likely pathogenic (1 of 4 stars; one submission).

Allele frequency attached by ClinVar (database versions not stated): gnomAD exomes below 0.00001.

Submission:

GeneDx
Classification: Likely pathogenic. Last evaluated: 2017-06-05. Review status: criteria provided, single submitter. Criteria: GeneDx Variant Classification (06012015). Collection method: clinical testing. Allele origin: germline. Affected: yes.
Comment: The R363H variant in the CYP26B1 gene has not been reported previously as a pathogenic variant, nor as a benign variant, to our knowledge. However, a missense variant at the same codon (R363L) was reported as homozygous in three siblings who presented in utero with combinations of severe craniofaical malformations, occipital encephalocele, radiohumeral fusions, and oligodactyly (Laue et al., 2011). The R363H variant is not observed in large population cohorts (Lek et al., 2016; 1000 Genomes Consortium et al., 2015; Exome Variant Server). The R363H variant is a conservative amino acid substitution, which occurs at a position that is conserved across species. In silico analysis predicts this variant is probably damaging to the protein structure/function. We interpret R363H as a likely pathogenic variant.

NM_019885.4(CYP26B1):c.1088G>A (p.Arg363His)

Gene: CYP26B1 (cytochrome P450 family 26 subfamily B member 1; minus strand). Cytogenetic location: 2p13.2.
Variant type: single nucleotide variant.
Coding change: c.1088G>A on transcript NM_019885.4 (MANE Select); coding-DNA position 1088, G replaced by A.
Protein change: p.Arg363His; replaces arginine 363 with histidine.
Molecular consequence: missense variant.
Genome position (GRCh38, 1-based): chr2:72,133,081, C>T on the plus strand (G>A on the coding strand, the complement: CYP26B1 is on the minus strand). VCF-style: chr2-72133081-C-T. GRCh37 (hg19) VCF-style: chr2-72360210-C-T.
Other names: c.863G>A, p.Arg288His (NM_001277742.2); short protein forms R363H, R288H.
Identifiers: ClinVar variation 432607 (VCV000432607.2), dbSNP rs281875231, ClinGen allele CA347222968.
Genomic context (GRCh38, chr2:72,133,081, plus strand): 5'-ACATCAAGCTCGAAGGTCTGCAGCACAGTGCGGTAGCCGCCGGAAATGGGCGTGAACAGG[C>T]GCATGACCTCCTTGATGACGCAGTCCAGGTAGCGCAGCCCACTGAGCGTGTCCAGGCGCA-3'
Protein context (NP_063938.1, residues 353-373): YLDCVIKEVM[Arg363His]LFTPISGGYR